The following is an entry in ClinVar:

NM_000508.5(FGA):c.2414G>C (p.Gly805Ala)

Gene: FGA (fibrinogen alpha chain; minus strand). Cytogenetic location: 4q31.3.
Variant type: single nucleotide variant.
Coding change: c.2414G>C on transcript NM_000508.5; coding-DNA position 2414, G replaced by C.
Protein change: p.Gly805Ala; replaces glycine 805 with alanine.
Molecular consequence: missense variant.
Genome position (GRCh38, 1-based): chr4:154,584,311, C>G on the plus strand (G>C on the coding strand, the complement: FGA is on the minus strand). VCF-style: chr4-154584311-C-G. GRCh37 (hg19) VCF-style: chr4-155505463-C-G.
Other names: short protein forms G805A.
Identifiers: ClinVar variation 1309523 (VCV001309523.4), dbSNP rs1730655687, ClinGen allele CA358522685.

ClinVar aggregate classification (germline): Uncertain significance (1 of 4 stars; one submission).

Submission:

GeneDx
Classification: Uncertain significance. Last evaluated: 2019-11-08. Review status: criteria provided, single submitter. Criteria: GeneDx Variant Classification Process June 2021. Collection method: clinical testing. Allele origin: germline. Affected: yes.
Comment: Not observed in large population cohorts (Lek et al., 2016); In silico analysis, which includes protein predictors and evolutionary conservation, supports a deleterious effect; Has not been previously published as pathogenic or benign to our knowledge